The following is an entry in ClinVar:

ClinVar aggregate classification (germline): Uncertain significance. Review status: criteria provided, multiple submitters, no conflicts (2 of 4 stars). 2 submissions from 2 submitters: Uncertain significance (2). Last evaluated 2022-12-21.

Conditions:
Ataxia-telangiectasia syndrome (AT). Also called: ATAXIA-TELANGIECTASIA, COMPLEMENTATION GROUP A; ATAXIA-TELANGIECTASIA, FRESNO VARIANT; LOUIS-BAR SYNDROME; Ataxia-telangiectasia; Cerebello-oculocutaneous telangiectasia; Immunodeficiency with ataxia telangiectasia. Identifiers: Orphanet 100, MedGen C0004135, MONDO:0008840, OMIM 208900.
Hereditary cancer-predisposing syndrome. Also called: Hereditary neoplastic syndrome; Tumor predisposition; Neoplastic Syndromes, Hereditary; Hereditary Cancer Syndrome. Identifiers: Orphanet 140162, MedGen C0027672, MeSH D009386, MONDO:0015356.

Submissions (2):

Color Diagnostics, LLC DBA Color Health
Classification: Uncertain significance for Hereditary cancer-predisposing syndrome. Last evaluated: 2022-12-21. Review status: criteria provided, single submitter. Criteria: ACMG Guidelines, 2015. Collection method: clinical testing. Allele origin: germline.
Comment: This missense variant replaces serine with arginine at codon 1748 of the ATM protein. Computational prediction suggests that this variant may not impact protein structure and function (internally defined REVEL score threshold <= 0.5, PMID: 27666373). To our knowledge, functional studies have not been reported for this variant. This variant has not been reported in individuals affected with ATM-related disorders in the literature. This variant has not been identified in the general population by the Genome Aggregation Database (gnomAD). The available evidence is insufficient to determine the role of this variant in disease conclusively. Therefore, this variant is classified as a Variant of Uncertain Significance.

Labcorp Genetics (formerly Invitae), Labcorp
Classification: Uncertain significance for Ataxia-telangiectasia syndrome. Last evaluated: 2021-11-12. Review status: criteria provided, single submitter. Criteria: Invitae Variant Classification Sherloc (09022015). Collection method: clinical testing. Allele origin: germline.
Comment: In summary, the available evidence is currently insufficient to determine the role of this variant in disease. Therefore, it has been classified as a Variant of Uncertain Significance. Advanced modeling of protein sequence and biophysical properties (such as structural, functional, and spatial information, amino acid conservation, physicochemical variation, residue mobility, and thermodynamic stability) performed at Invitae indicates that this missense variant is not expected to disrupt ATM protein function. This variant has not been reported in the literature in individuals affected with ATM-related conditions. This variant is not present in population databases (gnomAD no frequency). This sequence change replaces serine, which is neutral and polar, with arginine, which is basic and polar, at codon 1748 of the ATM protein (p.Ser1748Arg).

NM_000051.4(ATM):c.5244T>G (p.Ser1748Arg)

Gene: ATM (ATM serine/threonine kinase; plus strand). Cytogenetic location: 11q22.3.
Variant type: single nucleotide variant.
Coding change: c.5244T>G on transcript NM_000051.4 (MANE Select); coding-DNA position 5244, T replaced by G.
Protein change: p.Ser1748Arg; replaces serine 1748 with arginine.
Molecular consequence: missense variant.
Genome position (GRCh38, 1-based): chr11:108,301,714, T>G. VCF-style: chr11-108301714-T-G. GRCh37 (hg19) VCF-style: chr11-108172441-T-G.
Other names: c.5244T>G, p.Ser1748Arg (NM_001351834.2); short protein forms S1748R.
Identifiers: ClinVar variation 1471471 (VCV001471471.8), dbSNP rs2083440966, ClinGen allele CA382542431.